The following is an entry in ClinVar:

ClinVar aggregate classification (germline): Uncertain significance. Review status: criteria provided, multiple submitters, no conflicts (2 of 4 stars). 2 submissions from 2 submitters: Uncertain significance (2). Last evaluated 2023-10-29.

Conditions:
Cardiovascular phenotype. Identifiers: MedGen CN230736.
Brugada syndrome. Also called: Sudden Unexplained Death Syndrome; Sudden unexpected nocturnal death syndrome; Sudden unexplained nocturnal death syndrome; Sudden Unexplained Nocturnal Death Syndrome (SUNDS). Identifiers: Orphanet 130, MedGen C1142166, MONDO:0015263.

Allele frequency attached by ClinVar (database versions not stated): gnomAD 0.00001.
gnomAD v4.1: 31 of 1,614,054 alleles (0.0019%); highest among the groups gnomAD compares: East Asian, 0.067%; no homozygotes.

Submissions (2):

Ambry Genetics
Classification: Uncertain significance for Cardiovascular phenotype. Last evaluated: 2023-10-29. Review status: criteria provided, single submitter. Criteria: Ambry Variant Classification Scheme 2023. Collection method: clinical testing. Allele origin: germline.
Comment: The p.L1846I variant (also known as c.5536C>A), located in coding exon 27 of the SCN10A gene, results from a C to A substitution at nucleotide position 5536. The leucine at codon 1846 is replaced by isoleucine, an amino acid with highly similar properties. This amino acid position is conserved. In addition, the in silico prediction for this alteration is inconclusive. Since supporting evidence is limited at this time, the clinical significance of this alteration remains unclear.

Labcorp Genetics (formerly Invitae), Labcorp
Classification: Uncertain significance for Brugada syndrome. Last evaluated: 2021-03-01. Review status: criteria provided, single submitter. Criteria: Invitae Variant Classification Sherloc (09022015). Collection method: clinical testing. Allele origin: germline.
Comment: This variant has not been reported in the literature in individuals with SCN10A-related conditions. Advanced modeling of protein sequence and biophysical properties (such as structural, functional, and spatial information, amino acid conservation, physicochemical variation, residue mobility, and thermodynamic stability) performed at Invitae indicates that this missense variant is expected to disrupt SCN10A protein function. In summary, the available evidence is currently insufficient to determine the role of this variant in disease. Therefore, it has been classified as a Variant of Uncertain Significance. This variant is not present in population databases (ExAC no frequency). This sequence change replaces leucine with isoleucine at codon 1846 of the SCN10A protein (p.Leu1846Ile). The leucine residue is moderately conserved and there is a small physicochemical difference between leucine and isoleucine.

NM_006514.4(SCN10A):c.5536C>A (p.Leu1846Ile)

Gene: SCN10A (sodium voltage-gated channel alpha subunit 10; minus strand). Cytogenetic location: 3p22.2.
Variant type: single nucleotide variant.
Coding change: c.5536C>A on transcript NM_006514.4 (MANE Select); coding-DNA position 5536, C replaced by A.
Protein change: p.Leu1846Ile; replaces leucine 1846 with isoleucine.
Molecular consequence: missense variant.
Genome position (GRCh38, 1-based): chr3:38,697,684, G>T on the plus strand (C>A on the coding strand, the complement: SCN10A is on the minus strand). VCF-style: chr3-38697684-G-T. GRCh37 (hg19) VCF-style: chr3-38739175-G-T.
Other names: c.5536C>A (NM_006514.2); c.5533C>A, p.Leu1845Ile (NM_001293306.2); c.5242C>A, p.Leu1748Ile (NM_001293307.2); short protein forms L1748I, L1846I, L1845I.
Identifiers: ClinVar variation 1409353 (VCV001409353.9), dbSNP rs1001583386, ClinGen allele CA72946880.